The following is an entry in ClinVar:

NM_000037.4(ANK1):c.1519del (p.Leu507fs)

Gene: ANK1 (ankyrin 1; minus strand). Cytogenetic location: 8p11.21.
Variant type: Deletion.
Coding change: c.1519del on transcript NM_000037.4 (MANE Select); coding-DNA position 1519, one base deleted (C; older notation c.1519delC).
Protein change: p.Leu507fs; shifts the reading frame from leucine 507.
Molecular consequence: frameshift variant.
Genome position (GRCh38, 1-based): chr8:41,715,735, G deleted on the plus strand (C on the coding strand, the reverse complement: ANK1 is on the minus strand); the first of 6 consecutive G bases (chr8:41,715,735-41,715,740); deleting any one gives the same sequence. VCF-style (leftmost placement, unchanged base first): chr8-41715734-AG-A. GRCh37 (hg19) VCF-style: chr8-41573252-AG-A.
Other names: c.1618del, p.Leu540fs (NM_001142446.2); c.1519del, p.Leu507fs (NM_020475.3, NM_020476.3, NM_020477.3); c.1519delC (NM_020476.2); short protein forms L507fs, L540fs.
Identifiers: ClinVar variation 2689916 (VCV002689916.4), dbSNP rs397514029, ClinGen allele CA581928297.
Genomic context (GRCh38, chr8:41,715,734, plus strand): 5'-GCTTCCTTTTCCAGAAGGGCCAGGACTGTTTCCACATGGCCCTCACGGGCTGCAATGTGC[AG>A]GGGGGTGTGCCCGGCGGTGGTGGCCAGGTTGGGGTTGGCGTTATTTTCCAGCAGGAGCTT-3'

ClinVar aggregate classification (germline): Pathogenic/Likely pathogenic. Review status: criteria provided, multiple submitters, no conflicts (2 of 4 stars). 3 submissions from 3 submitters: Pathogenic (2); Likely pathogenic (1). Last evaluated 2025-12-03.

Conditions:
ANK1-related disorder. Also called: ANK1-related condition.
Hereditary spherocytosis type 1. Also called: Spherocytosis type 1; ANK1-Related Spherocytosis. Identifiers: Orphanet 822, MedGen C2674218, MONDO:0008447, OMIM 182900.

Submissions (3):

Labcorp Genetics (formerly Invitae), Labcorp
Classification: Pathogenic. Last evaluated: 2025-12-03. Review status: criteria provided, single submitter. Criteria: Invitae Variant Classification Sherloc (09022015). Collection method: clinical testing. Allele origin: germline.
Comment: This sequence change creates a premature translational stop signal (p.Leu507Cysfs*26) in the ANK1 gene. It is expected to result in an absent or disrupted protein product. Loss-of-function variants in ANK1 are known to be pathogenic (PMID: 8640229). This variant is not present in population databases (gnomAD no frequency). This premature translational stop signal has been observed in individual(s) with hereditary spherocytosis (PMID: 39378964). ClinVar contains an entry for this variant (Variation ID: 2689916). For these reasons, this variant has been classified as Pathogenic.

PreventionGenetics, part of Exact Sciences
Classification: Likely pathogenic for ANK1-related condition. Last evaluated: 2025-02-17. Review status: criteria provided, single submitter. Criteria: ACMG Guidelines, 2015. Collection method: clinical testing. Allele origin: germline.
Comment: The ANK1 c.1519delC variant is predicted to result in a frameshift and premature protein termination (p.Leu507Cysfs*26). To our knowledge, this variant has not been reported in the literature or in a large population databases, indicating this variant is rare. Frameshift variants in ANK1 are expected to be pathogenic. This variant is interpreted as likely pathogenic.

Revvity Omics, Revvity
Classification: Pathogenic for Hereditary spherocytosis type 1. Last evaluated: 2023-04-22. Review status: criteria provided, single submitter. Criteria: ACMG Guidelines, 2015. Collection method: clinical testing. Allele origin: germline.

Literature cited by the submitters: PubMed 8640229 (cited by Labcorp Genetics (formerly Invitae), Labcorp); PubMed 39378964 (cited by Labcorp Genetics (formerly Invitae), Labcorp).